The following is an entry in ClinVar:

ClinVar aggregate classification (germline): Likely benign. Review status: criteria provided, multiple submitters, no conflicts (2 of 4 stars). 2 submissions from 2 submitters: Likely benign (2). Last evaluated 2025-05-16.

Conditions:
L2HGDH-related disorder. Also called: L2HGDH-related condition.
L-2-hydroxyglutaric aciduria (L2HGA). Identifiers: Orphanet 79314, MedGen C1855995, MONDO:0009370, OMIM 236792, HP:0040144.

Allele frequency attached by ClinVar (database versions not stated): gnomAD exomes below 0.00001; ExAC 0.00001; gnomAD 0.00005; TOPMed 0.00008.
gnomAD v4.1: 13 of 1,613,432 alleles (0.00081%); highest among the groups gnomAD compares: African/African-American, 0.015%; no homozygotes.

Submissions (2):

PreventionGenetics, part of Exact Sciences
Classification: Likely benign for L2HGDH-related condition. Last evaluated: 2025-05-16. Review status: criteria provided, single submitter. Criteria: ACMG Guidelines, 2015. Collection method: clinical testing. Allele origin: germline.
Comment: This variant is classified as likely benign based on ACMG/AMP sequence variant interpretation guidelines (Richards et al. 2015 PMID: 25741868, with internal and published modifications).

Labcorp Genetics (formerly Invitae), Labcorp
Classification: Likely benign for L-2-hydroxyglutaric aciduria. Last evaluated: 2025-03-31. Review status: criteria provided, single submitter. Criteria: Invitae Variant Classification Sherloc (09022015). Collection method: clinical testing. Allele origin: germline.

NM_024884.3(L2HGDH):c.257-9G>C

Gene: L2HGDH (L-2-hydroxyglutarate dehydrogenase; minus strand). Cytogenetic location: 14q21.3.
Variant type: single nucleotide variant.
Coding change: c.257-9G>C on transcript NM_024884.3 (MANE Select); 9 bases into the intron before coding-DNA position 257, G replaced by C.
Molecular consequence: intron variant.
Genome position (GRCh38, 1-based): chr14:50,302,177, C>G on the plus strand (G>C on the coding strand, the complement: L2HGDH is on the minus strand). VCF-style: chr14-50302177-C-G. GRCh37 (hg19) VCF-style: chr14-50768895-C-G.
Other names: c.257-9G>C (NM_024884.2).
Identifiers: ClinVar variation 2082282 (VCV002082282.5), dbSNP rs751207518, ClinGen allele CA7178066.